The following is an entry in ClinVar:

ClinVar aggregate classification (germline): Uncertain significance (1 of 4 stars; one submission).

Conditions:
Progressive familial heart block type IB (PFHB1B). Identifiers: Orphanet 871, MedGen C1970298, MONDO:0011474, OMIM 604559.

Submission:

Labcorp Genetics (formerly Invitae), Labcorp
Classification: Uncertain significance for Progressive familial heart block type IB. Last evaluated: 2025-12-24. Review status: criteria provided, single submitter. Criteria: Invitae Variant Classification Sherloc (09022015). Collection method: clinical testing. Allele origin: germline.
Comment: This sequence change replaces glycine, which is neutral and non-polar, with glutamic acid, which is acidic and polar, at codon 512 of the TRPM4 protein (p.Gly512Glu). This variant is not present in population databases (gnomAD no frequency). This variant has not been reported in the literature in individuals affected with TRPM4-related conditions. An algorithm developed to predict the effect of missense changes on protein structure and function (PolyPhen-2) suggests that this variant is likely to be disruptive. In summary, the available evidence is currently insufficient to determine the role of this variant in disease. Therefore, it has been classified as a Variant of Uncertain Significance.

NM_017636.4(TRPM4):c.1535G>A (p.Gly512Glu)

Gene: TRPM4 (transient receptor potential cation channel subfamily M member 4; plus strand). Cytogenetic location: 19q13.33.
Variant type: single nucleotide variant.
Coding change: c.1535G>A on transcript NM_017636.4 (MANE Select); coding-DNA position 1535, G replaced by A.
Protein change: p.Gly512Glu; replaces glycine 512 with glutamic acid.
Molecular consequence: missense variant. On other transcripts: 5 prime UTR variant (1).
Genome position (GRCh38, 1-based): chr19:49,182,849, G>A. VCF-style: chr19-49182849-G-A. GRCh37 (hg19) VCF-style: chr19-49686106-G-A.
Other names: c.1535G>A, p.Gly512Glu (NM_001195227.2); c.1190G>A, p.Gly397Glu (NM_001321281.2); c.-19G>A (NM_001321282.2); c.1013G>A, p.Gly338Glu (NM_001321283.2); c.473G>A, p.Gly158Glu (NM_001321285.2); short protein forms G158E, G338E, G512E, G397E.
Identifiers: ClinVar variation 4695403 (VCV004695403.1).
Genomic context (GRCh38, chr19:49,182,849, plus strand): 5'-AAGGGGGAGCTGCGGAGCTCCGGCCCCCTGACGTGGGGCATGTGCTGAGGATGCTGCTGG[G>A]GAAGATGTGCGCGCCGAGGTACCCCTCCGGGGGCGCCTGGGACCCTCACCCAGGCCAGGG-3'
Protein context (NP_060106.2, residues 502-522): DVGHVLRMLL[Gly512Glu]KMCAPRYPSG